The following is an entry in ClinVar:

NM_002878.4(RAD51D):c.571C>T (p.Gln191Ter)

Genes: RAD51L3-RFFL (RAD51L3-RFFL readthrough; minus strand), RAD51D (RAD51 paralog D; minus strand). Cytogenetic location: 17q12.
Variant type: single nucleotide variant.
Coding change: c.571C>T on transcript NM_002878.4 (MANE Select); coding-DNA position 571, C replaced by T.
Protein change: p.Gln191Ter; replaces glutamine 191 with a stop codon.
Molecular consequence: nonsense. On other transcripts: non-coding transcript variant (3).
Genome position (GRCh38, 1-based): chr17:35,106,391, G>A on the plus strand (C>T on the coding strand, the complement: RAD51D is on the minus strand). VCF-style: chr17-35106391-G-A. GRCh37 (hg19) VCF-style: chr17-33433410-G-A.
Other names: c.631C>T, p.Gln211Ter (NM_001142571.2); c.235C>T, p.Gln79Ter (NM_133629.3); short protein forms Q191*, Q79*, Q211*.
Identifiers: ClinVar variation 2102431 (VCV002102431.8), dbSNP rs2142428821, ClinGen allele CA399088530.

ClinVar aggregate classification (germline): Pathogenic/Likely pathogenic. Review status: criteria provided, multiple submitters, no conflicts (2 of 4 stars). 4 submissions from 4 submitters: Pathogenic (3); Likely pathogenic (1). Last evaluated 2025-08-25.

Conditions:
Familial ovarian cancer. Identifiers: MedGen C5679802, MONDO:0016248.
Breast-ovarian cancer, familial, susceptibility to, 4. Identifiers: Orphanet 145, MedGen C3280345, MONDO:0013669, OMIM 614291.

Allele frequency attached by ClinVar (database versions not stated): gnomAD exomes below 0.00001.
gnomAD v4.1: 1 of 1,612,832 alleles (0.000062%); highest among the groups gnomAD compares: Non-Finnish European, 0.000085%; no homozygotes.

Submissions (4):

Labcorp Genetics (formerly Invitae), Labcorp
Classification: Pathogenic for Breast-ovarian cancer, familial, susceptibility to, 4. Last evaluated: 2025-08-25. Review status: criteria provided, single submitter. Criteria: Invitae Variant Classification Sherloc (09022015). Collection method: clinical testing. Allele origin: germline.
Comment: This sequence change creates a premature translational stop signal (p.Gln191*) in the RAD51D gene. It is expected to result in an absent or disrupted protein product. Loss-of-function variants in RAD51D are known to be pathogenic (PMID: 21822267). This variant is not present in population databases (gnomAD no frequency). This variant has not been reported in the literature in individuals affected with RAD51D-related conditions. ClinVar contains an entry for this variant (Variation ID: 2102431). For these reasons, this variant has been classified as Pathogenic.

Molecular Pathology, Peter Maccallum Cancer Centre
Classification: Pathogenic for Familial ovarian cancer. Last evaluated: 2024-01-31. Review status: criteria provided, single submitter. Criteria: ACMG Guidelines, 2015. Collection method: clinical testing. Allele origin: germline. Inheritance: Autosomal dominant inheritance.

Myriad Genetics, Inc.
Classification: Pathogenic for Breast-ovarian cancer, familial, susceptibility to, 4. Last evaluated: 2024-01-04. Review status: criteria provided, single submitter. Criteria: Myriad Autosomal Dominant, Autosomal Recessive and X-Linked Classification Criteria (2023). Collection method: clinical testing. Allele origin: unknown.
Comment: This variant is considered pathogenic. This variant creates a termination codon and is predicted to result in premature protein truncation.

Juno Genomics, Hangzhou Juno Genomics, Inc
Classification: Likely pathogenic for Breast-ovarian cancer, familial, susceptibility to, 4. Review status: criteria provided, single submitter. Criteria: ACMG Guidelines, 2015. Collection method: clinical testing. Allele origin: germline.
Comment: Null variant in a gene where loss of function (LOF) is a known mechanism of disease.;Absent from controls (or at extremely low frequency if recessive) in Genome Aggregation Database.

Literature cited by the submitters: PubMed 21822267 (cited by Labcorp Genetics (formerly Invitae), Labcorp).